The following is an entry in ClinVar:

ClinVar aggregate classification (germline): Likely pathogenic (1 of 4 stars; one submission).

Conditions:
Aicardi-Goutieres syndrome 4. Identifiers: Orphanet 51, MedGen C1835912, MONDO:0012472, OMIM 610333.

Submission:

Labcorp Genetics (formerly Invitae), Labcorp
Classification: Likely pathogenic for Aicardi-Goutieres syndrome 4. Last evaluated: 2022-11-16. Review status: criteria provided, single submitter. Criteria: Invitae Variant Classification Sherloc (09022015). Collection method: clinical testing. Allele origin: germline.
Comment: This variant has not been reported in the literature in individuals affected with RNASEH2A-related conditions. This sequence change affects an acceptor splice site in intron 6 of the RNASEH2A gene. It is expected to disrupt RNA splicing. Variants that disrupt the donor or acceptor splice site typically lead to a loss of protein function (PMID: 16199547), and loss-of-function variants in RNASEH2A are known to be pathogenic (PMID: 21454563, 25274781). This variant is not present in population databases (gnomAD no frequency). ClinVar contains an entry for this variant (Variation ID: 1488239). Algorithms developed to predict the effect of sequence changes on RNA splicing suggest that this variant may disrupt the consensus splice site. In summary, the currently available evidence indicates that the variant is pathogenic, but additional data are needed to prove that conclusively. Therefore, this variant has been classified as Likely Pathogenic.

Literature cited by the submitters: PubMed 16199547; PubMed 21454563; PubMed 25274781.

NM_006397.3(RNASEH2A):c.638-2A>G

Gene: RNASEH2A (ribonuclease H2 subunit A; plus strand). Cytogenetic location: 19p13.13.
Variant type: single nucleotide variant.
Coding change: c.638-2A>G on transcript NM_006397.3 (MANE Select); the canonical splice acceptor site of the intron before coding-DNA position 638, A replaced by G.
Molecular consequence: splice acceptor variant.
Genome position (GRCh38, 1-based): chr19:12,813,081, A>G. VCF-style: chr19-12813081-A-G. GRCh37 (hg19) VCF-style: chr19-12923895-A-G.
Identifiers: ClinVar variation 1488239 (VCV001488239.8), dbSNP rs2145830162, ClinGen allele CA404268673.